The following is an entry in ClinVar:

NM_000780.4(CYP7A1):c.186A>C (p.Lys62Asn)

Gene: CYP7A1 (cytochrome P450 family 7 subfamily A member 1; minus strand). Cytogenetic location: 8q12.1.
Variant type: single nucleotide variant.
Coding change: c.186A>C on transcript NM_000780.4 (MANE Select); coding-DNA position 186, A replaced by C.
Protein change: p.Lys62Asn; replaces lysine 62 with asparagine.
Molecular consequence: missense variant.
Genome position (GRCh38, 1-based): chr8:58,498,364, T>G on the plus strand (A>C on the coding strand, the complement: CYP7A1 is on the minus strand). VCF-style: chr8-58498364-T-G. GRCh37 (hg19) VCF-style: chr8-59410923-T-G.
Other names: short protein forms K62N.
Identifiers: ClinVar variation 1525739 (VCV001525739.6), dbSNP rs1809481074, ClinGen allele CA371296576.

ClinVar aggregate classification (germline): Uncertain significance (1 of 4 stars; one submission).

Allele frequency attached by ClinVar (database versions not stated): gnomAD exomes below 0.00001; TOPMed below 0.00001.
gnomAD v4.1: 1 of 1,614,180 alleles (0.000062%); highest among the groups gnomAD compares: Middle Eastern, 0.016%; no homozygotes.

Submission:

Labcorp Genetics (formerly Invitae), Labcorp
Classification: Uncertain significance. Last evaluated: 2021-08-26. Review status: criteria provided, single submitter. Criteria: Invitae Variant Classification Sherloc (09022015). Collection method: clinical testing. Allele origin: germline.
Comment: In summary, the available evidence is currently insufficient to determine the role of this variant in disease. Therefore, it has been classified as a Variant of Uncertain Significance. Algorithms developed to predict the effect of missense changes on protein structure and function (SIFT, PolyPhen-2, Align-GVGD) all suggest that this variant is likely to be disruptive. This variant has not been reported in the literature in individuals affected with CYP7A1-related conditions. This variant is not present in population databases (ExAC no frequency). This sequence change replaces lysine with asparagine at codon 62 of the CYP7A1 protein (p.Lys62Asn). The lysine residue is highly conserved and there is a moderate physicochemical difference between lysine and asparagine.